The following is an entry in ClinVar:

NM_001244008.2(KIF1A):c.4258A>G (p.Asn1420Asp)

Gene: KIF1A (kinesin family member 1A; minus strand). Cytogenetic location: 2q37.3.
Variant type: single nucleotide variant.
Coding change: c.4258A>G on transcript NM_001244008.2 (MANE Select); coding-DNA position 4258, A replaced by G.
Protein change: p.Asn1420Asp; replaces asparagine 1420 with aspartic acid.
Molecular consequence: missense variant.
Genome position (GRCh38, 1-based): chr2:240,724,035, T>C on the plus strand (A>G on the coding strand, the complement: KIF1A is on the minus strand). VCF-style: chr2-240724035-T-C. GRCh37 (hg19) VCF-style: chr2-241663452-T-C.
Other names: c.3982A>G, p.Asn1328Asp (NM_001320705.2, NM_001379649.1); c.4009A>G, p.Asn1337Asp (NM_001330289.2); c.4057A>G, p.Asn1353Asp (NM_001330290.2, NM_001379648.1); c.4333A>G, p.Asn1445Asp (NM_001379631.1); c.4234A>G, p.Asn1412Asp (NM_001379632.1); c.4231A>G, p.Asn1411Asp (NM_001379633.1, NM_001379645.1); c.4084A>G, p.Asn1362Asp (NM_001379634.1); c.4081A>G, p.Asn1361Asp (NM_001379635.1, NM_001379646.1); and 7 more; short protein forms N1420D, N1319D, N1328D, N1337D, N1353D, N1318D, N1327D, N1336D.
Identifiers: ClinVar variation 464246 (VCV000464246.9), dbSNP rs752208944, ClinGen allele CA2207435.

ClinVar aggregate classification (germline): Uncertain significance (1 of 4 stars; one submission).

Conditions:
Neuropathy, hereditary sensory, type 2C. Also called: Hereditary sensory and autonomic neuropathy type IIC; KIF1A-Related HSAN2 (HSAN2C). Identifiers: Orphanet 970, MedGen C3280168, MONDO:0013634, OMIM 614213.
Intellectual disability, autosomal dominant 9 (NESCAVS). Also called: NESCAV SYNDROME; KIF1A-Related Neurodevelopmental Disorder. Identifiers: Orphanet 662367, MedGen C5393830, MONDO:0013656, OMIM 614255.
Hereditary spastic paraplegia 30. Identifiers: Orphanet 101010, MedGen C5235139, MONDO:0012476.

Allele frequency attached by ClinVar (database versions not stated): gnomAD exomes below 0.00001; ExAC 0.00001.
gnomAD v4.1: 1 of 1,612,062 alleles (0.000062%); highest among the groups gnomAD compares: Non-Finnish European, 0.000085%; no homozygotes.

Submission:

Labcorp Genetics (formerly Invitae), Labcorp
Classification: Uncertain significance for Hereditary spastic paraplegia 30; Neuropathy, hereditary sensory, type 2C; Intellectual disability, autosomal dominant 9. Last evaluated: 2017-02-22. Review status: criteria provided, single submitter. Criteria: Invitae Variant Classification Sherloc (09022015). Collection method: clinical testing. Allele origin: germline.
Comment: In summary, this variant is a rare missense change with uncertain impact on protein function. There is no indication that it causes disease, but the available evidence is currently insufficient to prove that conclusively. Therefore, it has been classified as a Variant of Uncertain Significance. Algorithms developed to predict the effect of missense changes on protein structure and function do not agree on the potential impact of this missense change (SIFT: "Deleterious"; PolyPhen-2: "Benign"; Align-GVGD: "Class C0"). This variant is present in population databases (rs752208944, ExAC 0.002%) but has not been reported in the literature in individuals with a KIF1A-related disease. This sequence change replaces asparagine with aspartic acid at codon 1319 of the KIF1A protein (p.Asn1319Asp). The asparagine residue is highly conserved and there is a small physicochemical difference between asparagine and aspartic acid.